The following is an entry in ClinVar:

NM_001401501.2(MUC16):c.10506G>A (p.Val3502=)

Gene: MUC16 (mucin 16, cell surface associated; minus strand). Cytogenetic location: 19p13.2.
Variant type: single nucleotide variant.
Coding change: c.10506G>A on transcript NM_001401501.2 (MANE Select); coding-DNA position 10506, G replaced by A.
Protein change: p.Val3502=; no amino-acid change (valine 3502 retained).
Molecular consequence: synonymous variant.
Genome position (GRCh38, 1-based): chr19:8,966,384, C>T on the plus strand (G>A on the coding strand, the complement: MUC16 is on the minus strand). VCF-style: chr19-8966384-C-T. GRCh37 (hg19) VCF-style: chr19-9077060-C-T.
Other names: c.10932G>A, p.Val3644= (NM_001414686.1); c.10386G>A, p.Val3462= (NM_001414687.1, NM_024690.2).
Identifiers: ClinVar variation 3059026 (VCV003059026.2), dbSNP rs2591596, ClinGen allele CA9171475.

ClinVar aggregate classification (germline): Benign (0 of 4 stars; one submission).

Conditions:
MUC16-related disorder. Also called: MUC16-related condition.

Allele frequency attached by ClinVar (database versions not stated): 1000 Genomes Project 0.24840; 1000 Genomes Project 30x 0.24906; gnomAD 0.25945; TOPMed 0.26160; ESP Exome Variant Server 0.26218; ExAC 0.26267; gnomAD exomes 0.29275.

Submission:

PreventionGenetics, part of Exact Sciences
Classification: Benign for MUC16-related condition. Last evaluated: 2019-10-22. Review status: no assertion criteria provided. Collection method: clinical testing. Allele origin: germline.
Comment: This variant is classified as benign based on ACMG/AMP sequence variant interpretation guidelines (Richards et al. 2015 PMID: 25741868, with internal and published modifications).